The following is an entry in ClinVar:

ClinVar aggregate classification (germline): Pathogenic (1 of 4 stars; one submission).

Conditions:
Inborn genetic diseases. Identifiers: MedGen C0950123, MeSH D030342.

Submission:

Ambry Genetics
Classification: Pathogenic for Inborn genetic diseases. Last evaluated: 2020-04-24. Review status: criteria provided, single submitter. Criteria: Ambry Variant Classification Scheme 2023. Collection method: clinical testing. Allele origin: germline.
Comment: The alteration results in a premature stop codon: _x000D_ _x000D_ The c.3692delC (p.A1231Efs*63) alteration, located in exon 17 (coding exon 16) of the KAT6A gene, results from a deletion of one nucleotide at position 3692, causing a translational frameshift with a predicted alternate stop codon after 63 amino acids. Frameshifts are typically deleterious in nature; however, this frameshift occurs at the 3' terminus of KAT6A, is not expected to trigger nonsense-mediated mRNA decay, and a truncated mutant protein could still be expressed (Maquat, 2004). This alteration impacts the last 773 amino acids of the protein and the exact functional impact of these altered amino acids is unknown at this time; however, truncating alterations downstream of this alteration have been reported in the literature as disease-causing. In addition, the truncated region contains a functionally important protein domain (see below). The alteration is not observed in population databases: _x000D_ _x000D_ Based on data from the Genome Aggregation Database (gnomAD), the KAT6A c.3692delC alteration was not observed, with coverage at this position. The truncated region contains a functionally important protein domain:_x000D_ _x000D_ The c.3692delC (p.A1231Efs*63) alteration impacts a portion of the acidic domain, which has been documented to have several disease-causing truncating mutations, and trancates the serine/methionine-rich transactivation domain (Tham, 2015). Based on the available evidence, this alteration is classified as pathogenic.

Literature cited by the submitters: PubMed 25728777.

NM_006766.5(KAT6A):c.3692del (p.Ala1231fs)

Gene: KAT6A (lysine acetyltransferase 6A; minus strand). Cytogenetic location: 8p11.21.
Variant type: Deletion.
Coding change: c.3692del on transcript NM_006766.5 (MANE Select); coding-DNA position 3692, one base deleted (C; older notation c.3692delC).
Protein change: p.Ala1231fs; shifts the reading frame from alanine 1231.
Molecular consequence: frameshift variant.
Genome position (GRCh38, 1-based): chr8:41,934,528, G deleted on the plus strand (C on the coding strand, the reverse complement: KAT6A is on the minus strand). VCF-style (leftmost placement, unchanged base first): chr8-41934527-TG-T. GRCh37 (hg19) VCF-style: chr8-41792045-TG-T.
Other names: short protein forms A1231fs.
Identifiers: ClinVar variation 985843 (VCV000985843.4), dbSNP rs1821750171, ClinGen allele CA1139660482.
Genomic context (GRCh38, chr8:41,934,527, plus strand): 5'-TGCTGGGACTTCACTGCTGGCTGCATCCTCTTCCTCACCCTCTTCAGCCTCTTCTGCCTC[TG>T]CTTGCATCTCCTCCTCCTCCTTCCTCTCCTCGGGTAGGGGCATGTCTTCTTTTGGCTCAA-3'